The following is an entry in ClinVar:

ClinVar aggregate classification (germline): Uncertain significance (1 of 4 stars; one submission).

Conditions:
RYR1-related disorder. Also called: RYR1-related condition; RYR1-related disorders. Identifiers: MedGen CN239331.

Allele frequency attached by ClinVar (database versions not stated): gnomAD exomes below 0.00001; gnomAD 0.00001.
gnomAD v4.1: 6 of 1,582,086 alleles (0.00038%); highest among the groups gnomAD compares: African/African-American, 0.0055%; no homozygotes.

Submission:

Labcorp Genetics (formerly Invitae), Labcorp
Classification: Uncertain significance for RYR1-related disorder. Last evaluated: 2026-01-18. Review status: criteria provided, single submitter. Criteria: Invitae Variant Classification Sherloc (09022015). Collection method: clinical testing. Allele origin: germline.
Comment: This sequence change falls in intron 48 of the RYR1 gene. It does not directly change the encoded amino acid sequence of the RYR1 protein. It affects a nucleotide within the consensus splice site. This variant is not present in population databases (gnomAD no frequency). This variant has not been reported in the literature in individuals affected with RYR1-related conditions. ClinVar contains an entry for this variant (Variation ID: 2078154). Variants that disrupt the consensus splice site are a relatively common cause of aberrant splicing (PMID: 17576681, 9536098). Algorithms developed to predict the effect of sequence changes on RNA splicing suggest that this variant is not likely to affect RNA splicing. In summary, the available evidence is currently insufficient to determine the role of this variant in disease. Therefore, it has been classified as a Variant of Uncertain Significance.

Literature cited by the submitters: PubMed 17576681; PubMed 9536098.

NM_000540.3(RYR1):c.7835+3G>A

Gene: RYR1 (ryanodine receptor 1; plus strand). Cytogenetic location: 19q13.2.
Variant type: single nucleotide variant.
Coding change: c.7835+3G>A on transcript NM_000540.3 (MANE Select); 3 bases into the intron after coding-DNA position 7835, G replaced by A.
Molecular consequence: intron variant.
Genome position (GRCh38, 1-based): chr19:38,502,730, G>A. VCF-style: chr19-38502730-G-A. GRCh37 (hg19) VCF-style: chr19-38993370-G-A.
Other names: c.7835+3G>A (NM_001042723.2).
Identifiers: ClinVar variation 2078154 (VCV002078154.4), dbSNP rs937552265, ClinGen allele CA995717297.